The following is an entry in ClinVar:

ClinVar aggregate classification (germline): Uncertain significance. Review status: criteria provided, multiple submitters, no conflicts (2 of 4 stars). 2 submissions from 2 submitters: Uncertain significance (2). Last evaluated 2025-11-20.

Conditions:
Inborn genetic diseases. Identifiers: MedGen C0950123, MeSH D030342.

Allele frequency attached by ClinVar (database versions not stated): ExAC 0.00002; gnomAD 0.00003; TOPMed 0.00001; gnomAD exomes 0.00002.
gnomAD v4.1: 34 of 1,613,186 alleles (0.0021%); highest among the groups gnomAD compares: Non-Finnish European, 0.0027%; no homozygotes.

Submissions (2):

Ambry Genetics
Classification: Uncertain significance for Inborn genetic diseases. Last evaluated: 2025-11-20. Review status: criteria provided, single submitter. Criteria: Ambry Variant Classification Scheme 2023. Collection method: clinical testing. Allele origin: germline.

Labcorp Genetics (formerly Invitae), Labcorp
Classification: Uncertain significance. Last evaluated: 2023-09-20. Review status: criteria provided, single submitter. Criteria: Invitae Variant Classification Sherloc (09022015). Collection method: clinical testing. Allele origin: germline.
Comment: In summary, the available evidence is currently insufficient to determine the role of this variant in disease. Therefore, it has been classified as a Variant of Uncertain Significance. An algorithm developed to predict the effect of missense changes on protein structure and function (PolyPhen-2) suggests that this variant is likely to be disruptive. ClinVar contains an entry for this variant (Variation ID: 1510275). This variant has not been reported in the literature in individuals affected with NOG-related conditions. This variant is present in population databases (rs766177414, gnomAD 0.005%). This sequence change replaces glutamic acid, which is acidic and polar, with glycine, which is neutral and non-polar, at codon 58 of the NOG protein (p.Glu58Gly).

NM_005450.6(NOG):c.173A>G (p.Glu58Gly)

Gene: NOG (noggin; plus strand). Cytogenetic location: 17q22.
Variant type: single nucleotide variant.
Coding change: c.173A>G on transcript NM_005450.6 (MANE Select); coding-DNA position 173, A replaced by G.
Protein change: p.Glu58Gly; replaces glutamic acid 58 with glycine.
Molecular consequence: missense variant.
Genome position (GRCh38, 1-based): chr17:56,594,396, A>G. VCF-style: chr17-56594396-A-G. GRCh37 (hg19) VCF-style: chr17-54671757-A-G.
Other names: c.173A>G (NM_005450.4); short protein forms E58G.
Identifiers: ClinVar variation 1510275 (VCV001510275.6), dbSNP rs766177414, ClinGen allele CA8663145.
Genomic context (GRCh38, chr17:56,594,396, plus strand): 5'-GCGACAACCTGCCCCTGGTGGACCTCATCGAACACCCAGACCCTATCTTTGACCCCAAGG[A>G]AAAGGATCTGAACGAGACGCTGCTGCGCTCGCTGCTCGGGGGCCACTACGACCCAGGCTT-3'
Protein context (NP_005441.1, residues 48-68): EHPDPIFDPK[Glu58Gly]KDLNETLLRS